The following is an entry in ClinVar:

NM_001110556.2(FLNA):c.292A>G (p.Thr98Ala)

Gene: FLNA (filamin A; minus strand). Cytogenetic location: Xq28.
Variant type: single nucleotide variant.
Coding change: c.292A>G on transcript NM_001110556.2 (MANE Select); coding-DNA position 292, A replaced by G.
Protein change: p.Thr98Ala; replaces threonine 98 with alanine.
Molecular consequence: missense variant.
Genome position (GRCh38, 1-based): chrX:154,370,954, T>C on the plus strand (A>G on the coding strand, the complement: FLNA is on the minus strand). VCF-style: chrX-154370954-T-C. GRCh37 (hg19) VCF-style: chrX-153599322-T-C.
Other names: c.292A>G (NM_001456.3); c.292A>G, p.Thr98Ala (NM_001456.4); short protein forms T98A.
Identifiers: ClinVar variation 3749151 (VCV003749151.3).

ClinVar aggregate classification (germline): Uncertain significance. Review status: criteria provided, multiple submitters, no conflicts (2 of 4 stars). 2 submissions from 2 submitters: Uncertain significance (2). Last evaluated 2025-01-02.

Conditions:
Melnick-Needles syndrome (MNS). Also called: MELNICK-NEEDLES OSTEODYSPLASTY; OSTEODYSPLASTY OF MELNICK AND NEEDLES; Melnick-Needles Syndrome (FLNA-MNS). Identifiers: Orphanet 2484, MedGen C0025237, MONDO:0010650, OMIM 309350.
Frontometaphyseal dysplasia (FMD1). Identifiers: Orphanet 1826, MedGen C0265293, MONDO:0015942.
Heterotopia, periventricular, X-linked dominant (PVNH1). Also called: PERIVENTRICULAR NODULAR HETEROTOPIA 1; X-linked periventricular heterotopia; PERIVENTRICULAR NODULAR HETEROTOPIA 4; HETEROTOPIA, PERIVENTRICULAR, 1. Identifiers: Orphanet 2149, Orphanet 82004, MedGen C1848213, MONDO:0010233, OMIM 300049.
Oto-palato-digital syndrome, type II (OPD2). Also called: FACIOPALATOOSSEOUS SYNDROME; OPD II SYNDROME; Otopalatodigital Syndrome, Type II; Otopalatodigital Syndrome Type 2 (FLNA-OPD2). Identifiers: Orphanet 669, Orphanet 90652, MedGen C1844696, MONDO:0010571, OMIM 304120.

gnomAD v4.1: 1 of 1,210,703 alleles (0.000083%); highest among the groups gnomAD compares: Admixed American, 0.0022%; no homozygotes.

Submissions (2):

GeneDx
Classification: Uncertain significance. Last evaluated: 2025-01-02. Review status: criteria provided, single submitter. Criteria: GeneDx Variant Classification Process June 2021. Collection method: clinical testing. Allele origin: germline. Affected: yes.
Comment: Not observed at significant frequency in large population cohorts (gnomAD); In silico analysis supports that this missense variant has a deleterious effect on protein structure/function; Has not been previously published as pathogenic or benign to our knowledge

Labcorp Genetics (formerly Invitae), Labcorp
Classification: Uncertain significance for Oto-palato-digital syndrome, type II; Heterotopia, periventricular, X-linked dominant; Frontometaphyseal dysplasia; Melnick-Needles syndrome. Last evaluated: 2024-09-26. Review status: criteria provided, single submitter. Criteria: Invitae Variant Classification Sherloc (09022015). Collection method: clinical testing. Allele origin: germline.
Comment: This sequence change replaces threonine, which is neutral and polar, with alanine, which is neutral and non-polar, at codon 98 of the FLNA protein (p.Thr98Ala). This variant is not present in population databases (gnomAD no frequency). This variant has not been reported in the literature in individuals affected with FLNA-related conditions. Invitae Evidence Modeling of protein sequence and biophysical properties (such as structural, functional, and spatial information, amino acid conservation, physicochemical variation, residue mobility, and thermodynamic stability) indicates that this missense variant is not expected to disrupt FLNA protein function with a negative predictive value of 95%. In summary, the available evidence is currently insufficient to determine the role of this variant in disease. Therefore, it has been classified as a Variant of Uncertain Significance.